The following is an entry in ClinVar:

ClinVar aggregate classification (germline): Uncertain significance (1 of 4 stars; one submission).

gnomAD v4.1: 9 of 1,614,186 alleles (0.00056%); highest among the groups gnomAD compares: East Asian, 0.018%; no homozygotes.

Submission:

Labcorp Genetics (formerly Invitae), Labcorp
Classification: Uncertain significance. Last evaluated: 2022-05-27. Review status: criteria provided, single submitter. Criteria: Invitae Variant Classification Sherloc (09022015). Collection method: clinical testing. Allele origin: germline.
Comment: This sequence change replaces isoleucine, which is neutral and non-polar, with phenylalanine, which is neutral and non-polar, at codon 680 of the ADAMTS17 protein (p.Ile680Phe). This variant is not present in population databases (gnomAD no frequency). This variant has not been reported in the literature in individuals affected with ADAMTS17-related conditions. Algorithms developed to predict the effect of missense changes on protein structure and function are either unavailable or do not agree on the potential impact of this missense change (SIFT: "Not Available"; PolyPhen-2: "Probably Damaging"; Align-GVGD: "Not Available"). In summary, the available evidence is currently insufficient to determine the role of this variant in disease. Therefore, it has been classified as a Variant of Uncertain Significance.

NM_139057.4(ADAMTS17):c.2038A>T (p.Ile680Phe)

Gene: ADAMTS17 (ADAM metallopeptidase with thrombospondin type 1 motif 17; minus strand). Cytogenetic location: 15q26.3.
Variant type: single nucleotide variant.
Coding change: c.2038A>T on transcript NM_139057.4 (MANE Select); coding-DNA position 2038, A replaced by T.
Protein change: p.Ile680Phe; replaces isoleucine 680 with phenylalanine.
Molecular consequence: missense variant.
Genome position (GRCh38, 1-based): chr15:100,096,455, T>A on the plus strand (A>T on the coding strand, the complement: ADAMTS17 is on the minus strand). VCF-style: chr15-100096455-T-A. GRCh37 (hg19) VCF-style: chr15-100636660-T-A.
Other names: short protein forms I680F.
Identifiers: ClinVar variation 2106677 (VCV002106677.4), dbSNP rs1567165993, ClinGen allele CA393694644.